The following is an entry in ClinVar:

ClinVar aggregate classification (germline): Pathogenic (1 of 4 stars; one submission).

Conditions:
3-methylcrotonyl-CoA carboxylase 1 deficiency (MCC1D). Also called: MCCD TYPE 1; METHYLCROTONYLGLYCINURIA TYPE I; MCC 1 deficiency; 3 Alpha methylcrotonylglycinuria 1. Identifiers: Orphanet 6, MedGen CN028786, MONDO:0008861, OMIM 210200.

Submission:

Labcorp Genetics (formerly Invitae), Labcorp
Classification: Pathogenic for 3-methylcrotonyl-CoA carboxylase 1 deficiency. Last evaluated: 2019-06-06. Review status: criteria provided, single submitter. Criteria: Invitae Variant Classification Sherloc (09022015). Collection method: clinical testing. Allele origin: germline.
Comment: For these reasons, this variant has been classified as Pathogenic. Loss-of-function variants in MCCC1 are known to be pathogenic (PMID: 11181649, 15359379, 22642865). This variant has not been reported in the literature in individuals with MCCC1-related conditions. This variant is not present in population databases (ExAC no frequency). This sequence change creates a premature translational stop signal (p.Cys142Tyrfs*9) in the MCCC1 gene. It is expected to result in an absent or disrupted protein product.

Literature cited by the submitters: PubMed 11181649; PubMed 15359379; PubMed 22642865.

NM_020166.5(MCCC1):c.425_427delinsAC (p.Cys142fs)

Gene: MCCC1 (methylcrotonyl-CoA carboxylase subunit 1; minus strand). Cytogenetic location: 3q27.1.
Variant type: Indel.
Coding change: c.425_427delinsAC on transcript NM_020166.5 (MANE Select); coding-DNA positions 425 to 427, GTA replaced by AC.
Protein change: p.Cys142fs; shifts the reading frame from cysteine 142.
Molecular consequence: frameshift variant. On other transcripts: non-coding transcript variant (2), intron variant (1).
Genome position (GRCh38, 1-based): chr3:183,072,430-183,072,432, TAC replaced by GT on the plus strand (GTA replaced by AC on the coding strand, the reverse complement: MCCC1 is on the minus strand). VCF-style: chr3-183072430-TAC-GT. GRCh37 (hg19) VCF-style: chr3-182790218-TAC-GT.
Other names: c.98_100delinsAC, p.Cys33fs (NM_001363880.1); c.141-1075_141-1073delinsAC (NM_001293273.2); short protein forms C33fs, C142fs.
Identifiers: ClinVar variation 970715 (VCV000970715.6), dbSNP rs1716766263, ClinGen allele CA1139658360.